The following is an entry in ClinVar:

ClinVar aggregate classification (germline): Conflicting classifications of pathogenicity. Review status: criteria provided, conflicting classifications (1 of 4 stars). 3 submissions from 3 submitters: Uncertain significance (1); Likely benign (2). Last evaluated 2026-03-28.

Conditions:
Inborn genetic diseases. Identifiers: MedGen C0950123, MeSH D030342.
IDS-related disorder. Also called: IDS-related condition.
Mucopolysaccharidosis, MPS-II (MPS2). Also called: IDS deficiency; Sulfoiduronate sulfatase deficiency; SIDS deficiency; Mucopolysaccharidosis with skin involvement; IDURONATE 2-SULFATASE DEFICIENCY; Mucopolysaccharidosis Type II. Identifiers: Orphanet 580, Orphanet 79388, MedGen C0026705, MONDO:0010674, OMIM 309900.

Allele frequency attached by ClinVar (database versions not stated): ExAC 0.00001; TOPMed 0.00001; gnomAD 0.00002; gnomAD exomes 0.00002.
gnomAD v4.1: 25 of 1,209,103 alleles (0.0021%); highest among the groups gnomAD compares: Middle Eastern, 0.092%; no homozygotes.

Submissions (3):

Ambry Genetics
Classification: Likely benign for Inborn genetic diseases. Last evaluated: 2026-03-28. Review status: criteria provided, single submitter. Criteria: Ambry Variant Classification Scheme 2023. Collection method: clinical testing. Allele origin: germline.

PreventionGenetics, part of Exact Sciences
Classification: Uncertain significance for IDS-related condition. Last evaluated: 2025-12-08. Review status: criteria provided, single submitter. Criteria: ACMG Guidelines, 2015. Collection method: clinical testing. Allele origin: germline.
Comment: The IDS c.995C>T variant is predicted to result in the amino acid substitution p.Thr332Ile. To our knowledge, this variant has not been reported in the literature. This variant is reported in 0.015% of alleles in individuals of Latino descent in gnomAD. Although we suspect that this variant may be benign, at this time, the clinical significance of this variant is uncertain due to the absence of conclusive functional and genetic evidence.

Labcorp Genetics (formerly Invitae), Labcorp
Classification: Likely benign for Mucopolysaccharidosis, MPS-II. Last evaluated: 2025-08-03. Review status: criteria provided, single submitter. Criteria: Invitae Variant Classification Sherloc (09022015). Collection method: clinical testing. Allele origin: germline.

NM_000202.8(IDS):c.995C>T (p.Thr332Ile)

Genes: IDS (iduronate 2-sulfatase; minus strand), LOC106050102 (IDS recombination region; plus strand). Cytogenetic location: Xq28.
Variant type: single nucleotide variant.
Coding change: c.995C>T on transcript NM_000202.8 (MANE Select); coding-DNA position 995, C replaced by T.
Protein change: p.Thr332Ile; replaces threonine 332 with isoleucine.
Molecular consequence: missense variant. On other transcripts: non-coding transcript variant (1).
Genome position (GRCh38, 1-based): chrX:149,490,325, G>A on the plus strand (C>T on the coding strand, the complement: IDS is on the minus strand). VCF-style: chrX-149490325-G-A. GRCh37 (hg19) VCF-style: chrX-148571856-G-A.
Other names: c.995C>T (NM_000202.5, NM_000202.7); c.725C>T, p.Thr242Ile (NM_001166550.4); c.995C>T, p.Thr332Ile (NM_006123.5); short protein forms T242I, T332I.
Identifiers: ClinVar variation 2041011 (VCV002041011.7), dbSNP rs782704207, ClinGen allele CA10537535.
Genomic context (GRCh38, chrX:149,490,325, plus strand): 5'-CAGGAAAGTTCAGATGTTTTGACTCACCAGGGAATTTCAAAATGCTTACCATGATCCGAG[G>A]TAAATGCAATGATGGTGCTGTTGGCCAGCTGAAGATCGTCCAAAGCACTCAAGAGGCGGC-3'
Protein context (NP_000193.1, residues 322-342): QLANSTIIAF[Thr332Ile]SDHGWALGEH